The following is an entry in ClinVar:

ClinVar aggregate classification (germline): Likely benign. Review status: criteria provided, multiple submitters, no conflicts (2 of 4 stars). 2 submissions from 2 submitters: Likely benign (2). Last evaluated 2025-12-23.

Conditions:
WNK1-related disorder. Also called: WNK1-related condition.
Pseudohypoaldosteronism type 2C (PHA2C). Also called: Pseudohypoaldosteronism Type IIC. Identifiers: Orphanet 757, Orphanet 88940, MedGen C1840391, MONDO:0013778, OMIM 614492.
Neuropathy, hereditary sensory and autonomic, type 2A (HSAN2A). Also called: HSAN IIA; MORVAN DISEASE; NEUROPATHY, CONGENITAL SENSORY; NEUROPATHY, HEREDITARY SENSORY RADICULAR, AUTOSOMAL RECESSIVE; NEUROPATHY, HEREDITARY SENSORY, TYPE IIA; NEUROPATHY, PROGRESSIVE SENSORY, OF CHILDREN. Identifiers: Orphanet 970, MedGen C2752089, MONDO:0024309, OMIM 201300.

Allele frequency attached by ClinVar (database versions not stated): ExAC 0.00001; gnomAD 0.00001; gnomAD exomes 0.00001; TOPMed 0.00001.
gnomAD v4.1: 8 of 1,614,048 alleles (0.0005%); highest among the groups gnomAD compares: Admixed American, 0.0067%; no homozygotes.

Submissions (2):

PreventionGenetics, part of Exact Sciences
Classification: Likely benign for WNK1-related condition. Last evaluated: 2025-12-23. Review status: criteria provided, single submitter. Criteria: ACMG Guidelines, 2015. Collection method: clinical testing. Allele origin: germline.
Comment: This variant is classified as likely benign based on ACMG/AMP sequence variant interpretation guidelines (Richards et al. 2015 PMID: 25741868, with internal and published modifications).

Labcorp Genetics (formerly Invitae), Labcorp
Classification: Likely benign for Neuropathy, hereditary sensory and autonomic, type 2A; Pseudohypoaldosteronism type 2C. Last evaluated: 2021-12-18. Review status: criteria provided, single submitter. Criteria: Invitae Variant Classification Sherloc (09022015). Collection method: clinical testing. Allele origin: germline.

NM_018979.4(WNK1):c.6849G>A (p.Arg2283=)

Gene: WNK1 (WNK lysine deficient protein kinase 1; plus strand). Cytogenetic location: 12p13.33.
Variant type: single nucleotide variant.
Coding change: c.6849G>A on transcript NM_018979.4 (MANE Select); coding-DNA position 6849, G replaced by A.
Protein change: p.Arg2283=; no amino-acid change (arginine 2283 retained).
Molecular consequence: synonymous variant.
Genome position (GRCh38, 1-based): chr12:908,492, G>A. VCF-style: chr12-908492-G-A. GRCh37 (hg19) VCF-style: chr12-1017658-G-A.
Other names: c.7629G>A, p.Arg2543= (NM_001184985.2); c.6105G>A, p.Arg2035= (NM_014823.3); c.7605G>A, p.Arg2535= (NM_213655.5).
Identifiers: ClinVar variation 758493 (VCV000758493.10), dbSNP rs747605646, ClinGen allele CA6383520.